The following is an entry in ClinVar:

NM_001368894.2(PAX6):c.86T>C (p.Ile29Thr)

Gene: PAX6 (paired box 6; minus strand). Cytogenetic location: 11p13.
Variant type: single nucleotide variant.
Coding change: c.86T>C on transcript NM_001368894.2 (MANE Select); coding-DNA position 86, T replaced by C.
Protein change: p.Ile29Thr; replaces isoleucine 29 with threonine.
Molecular consequence: missense variant. On other transcripts: 5 prime UTR variant (12), non-coding transcript variant (2), intron variant (2).
Genome position (GRCh38, 1-based): chr11:31,802,759, A>G on the plus strand (T>C on the coding strand, the complement: PAX6 is on the minus strand). VCF-style: chr11-31802759-A-G. GRCh37 (hg19) VCF-style: chr11-31824307-A-G.
Other names: c.86T>C, p.Ile29Thr (NM_000280.6, NM_001127612.3, NM_001258462.3 and 30 more transcripts); c.-696T>C (NM_001310160.2, NM_001368905.2); c.-365T>C (NM_001310161.3, NM_001368900.2, NM_001368903.2 and 2 more transcripts); c.-323T>C (NM_001368899.2, NM_001368901.2, NM_001368906.2 and 1 more transcripts); c.-654T>C (NM_001368902.2); c.329T>C, p.Ile110Thr (NM_001368910.2); c.89T>C, p.Ile30Thr (NM_001368911.2); c.-267-983T>C (NM_001368909.2, NM_001368904.2); short protein forms I110T, I29T, I30T.
Identifiers: ClinVar variation 1710820 (VCV001710820.10), dbSNP rs2496297509, ClinGen allele CA379959573.

ClinVar aggregate classification (germline): Conflicting classifications of pathogenicity. Review status: criteria provided, conflicting classifications (1 of 4 stars). 3 submissions from 3 submitters: Pathogenic (1); Likely pathogenic (1); Uncertain significance (1). Last evaluated 2025-05-16.

Conditions:
Aniridia 1 (AN1). Identifiers: Orphanet 250923, MedGen C0344542, MONDO:0024507, OMIM 106210.
Irido-corneo-trabecular dysgenesis (ASGD5). Also called: ANTERIOR SEGMENT DYSGENESIS 5. Identifiers: Orphanet 708, MedGen C0344559, MONDO:0011414, OMIM 604229, HP:0000659.

Submissions (3):

GeneDx
Classification: Uncertain significance. Last evaluated: 2025-05-16. Review status: criteria provided, single submitter. Criteria: GeneDx Variant Classification Process June 2021. Collection method: clinical testing. Allele origin: germline. Affected: yes.
Comment: Not observed at significant frequency in large population cohorts (gnomAD); In silico analysis supports that this missense variant has a deleterious effect on protein structure/function; This variant is associated with the following publications: (PMID: 29618921)

Clinical Genetics Laboratory, Region Ostergotland
Classification: Pathogenic for Aniridia 1. Last evaluated: 2023-12-04. Review status: criteria provided, single submitter. Criteria: ACMG Guidelines, 2015. Collection method: clinical testing. Allele origin: de novo. Affected: yes.
Comment: The following ACMG criteria were applied in classifying this variant: PM1, PM2_supporting, PP3_strong, PM5, PS2

Labcorp Genetics (formerly Invitae), Labcorp
Classification: Likely pathogenic for Aniridia 1; Irido-corneo-trabecular dysgenesis. Last evaluated: 2022-04-20. Review status: criteria provided, single submitter. Criteria: Invitae Variant Classification Sherloc (09022015). Collection method: clinical testing. Allele origin: germline.
Comment: This variant is not present in population databases (gnomAD no frequency). In summary, the currently available evidence indicates that the variant is pathogenic, but additional data are needed to prove that conclusively. Therefore, this variant has been classified as Likely Pathogenic. Advanced modeling of protein sequence and biophysical properties (such as structural, functional, and spatial information, amino acid conservation, physicochemical variation, residue mobility, and thermodynamic stability) performed at Invitae indicates that this missense variant is expected to disrupt PAX6 protein function. This missense change has been observed in individual(s) with aniridia (PMID: 29618921). This sequence change replaces isoleucine, which is neutral and non-polar, with threonine, which is neutral and polar, at codon 29 of the PAX6 protein (p.Ile29Thr).

Literature cited by the submitters: PubMed 29618921 (cited by Labcorp Genetics (formerly Invitae), Labcorp).